The following is an entry in ClinVar:

NM_025132.4(WDR19):c.3289A>C (p.Met1097Leu)

Gene: WDR19 (WD repeat domain 19; plus strand). Cytogenetic location: 4p14.
Variant type: single nucleotide variant.
Coding change: c.3289A>C on transcript NM_025132.4 (MANE Select); coding-DNA position 3289, A replaced by C.
Protein change: p.Met1097Leu; replaces methionine 1097 with leucine.
Molecular consequence: missense variant.
Genome position (GRCh38, 1-based): chr4:39,268,022, A>C. VCF-style: chr4-39268022-A-C. GRCh37 (hg19) VCF-style: chr4-39269642-A-C.
Other names: c.2809A>C, p.Met937Leu (NM_001317924.2); short protein forms M1097L, M937L.
Identifiers: ClinVar variation 1896748 (VCV001896748.4), dbSNP rs771862503, ClinGen allele CA356645086.

ClinVar aggregate classification (germline): Uncertain significance (1 of 4 stars; one submission).

Conditions:
Senior-Loken syndrome 8 (SLSN8). Identifiers: Orphanet 3156, MedGen C4225376, MONDO:0014579, OMIM 616307.
Asphyxiating thoracic dystrophy 5 (SRTD5). Also called: SHORT-RIB THORACIC DYSPLASIA 5 WITH OR WITHOUT POLYDACTYLY; SHORT-RIB THORACIC DYSPLASIA 5 WITHOUT POLYDACTYLY. Identifiers: Orphanet 474, MedGen C3280598, MONDO:0013717, OMIM 614376.

Submission:

Labcorp Genetics (formerly Invitae), Labcorp
Classification: Uncertain significance for Senior-Loken syndrome 8; Asphyxiating thoracic dystrophy 5. Last evaluated: 2022-08-09. Review status: criteria provided, single submitter. Criteria: Invitae Variant Classification Sherloc (09022015). Collection method: clinical testing. Allele origin: germline.
Comment: In summary, the available evidence is currently insufficient to determine the role of this variant in disease. Therefore, it has been classified as a Variant of Uncertain Significance. Algorithms developed to predict the effect of missense changes on protein structure and function (SIFT, PolyPhen-2, Align-GVGD) all suggest that this variant is likely to be tolerated. This variant has not been reported in the literature in individuals affected with WDR19-related conditions. This variant is not present in population databases (gnomAD no frequency). This sequence change replaces methionine, which is neutral and non-polar, with leucine, which is neutral and non-polar, at codon 1097 of the WDR19 protein (p.Met1097Leu).